The following is an entry in ClinVar:

NM_000027.4(AGA):c.373_376del (p.Thr125fs)

Gene: AGA (aspartylglucosaminidase; minus strand). Cytogenetic location: 4q34.3.
Variant type: Microsatellite.
Coding change: c.373_376del on transcript NM_000027.4 (MANE Select); coding-DNA positions 373 to 376, 4 bases deleted (ACAC; older notation c.373_376delACAC).
Protein change: p.Thr125fs; shifts the reading frame from threonine 125.
Molecular consequence: frameshift variant. On other transcripts: non-coding transcript variant (1).
Genome position (GRCh38, 1-based): chr4:177,439,594-177,439,597, GTGT deleted on the plus strand (ACAC on the coding strand, the reverse complement: AGA is on the minus strand); deleting any 4 consecutive bases within chr4:177,439,594-177,439,603 gives the same sequence; the c. name uses the placement nearest the transcript's 3' end. VCF-style (leftmost placement, unchanged base first): chr4-177439593-AGTGT-A. GRCh37 (hg19) VCF-style: chr4-178360747-AGTGT-A.
Other names: c.373_376del (NM_000027.3); c.373_376del, p.Thr125fs (NM_001171988.2); short protein forms T125fs.
Identifiers: ClinVar variation 55944 (VCV000055944.8), dbSNP rs386833425, ClinGen allele CA144020.

ClinVar aggregate classification (germline): Pathogenic/Likely pathogenic. Review status: criteria provided, multiple submitters, no conflicts (2 of 4 stars). 5 submissions from 5 submitters: Pathogenic (2); Likely pathogenic (1). 2 of the submissions do not count toward it. Last evaluated 2025-06-03.

Conditions:
Aspartylglucosaminuria (AGU). Also called: GLYCOASPARAGINASE; GLYCOSYLASPARAGINASE DEFICIENCY; AGA DEFICIENCY; Aspartylglucos-aminuria; Aspartylglucos-amidase (AGA) deficiency. Identifiers: Orphanet 93, MedGen C0268225, MONDO:0008830, OMIM 208400, HP:0012068.

Submissions (5):

Labcorp Genetics (formerly Invitae), Labcorp
Classification: Pathogenic for Aspartylglucosaminuria. Last evaluated: 2025-06-03. Review status: criteria provided, single submitter. Criteria: Invitae Variant Classification Sherloc (09022015). Collection method: clinical testing. Allele origin: germline.
Comment: This sequence change creates a premature translational stop signal (p.Thr125Phefs*2) in the AGA gene. It is expected to result in an absent or disrupted protein product. Loss-of-function variants in AGA are known to be pathogenic (PMID: 7627186, 11309371). This variant is not present in population databases (gnomAD no frequency). This premature translational stop signal has been observed in individual(s) with aspartylglucosaminuria (PMID: 11309371). For these reasons, this variant has been classified as Pathogenic.

Natera, Inc.
Classification: Pathogenic for Aspartylglucosaminuria. Last evaluated: 2024-09-03. Review status: criteria provided, single submitter. Criteria: Natera Variant Classification Schema (03/2026). Collection method: clinical testing. Allele origin: germline.
Comment: The c.373_376del variant in AGA is a frameshift variant predicted to shift the reading frame beginning at codon 125 and leads to a stop codon 2 codons downstream. This variant is expected to result in nonsense mediated decay, truncation, or a dysfunctional protein product. This variant is rare in the general population with a frequency below the threshold expected for the associated phenotype(s). This variant has been observed in one or more individuals affected with the associated recessive disease, as either homozygous or compound heterozygous with a second variant (PMID: 11309371). Additionally, this variant has been observed to segregate in affected family members (PMID: 11309371). Functional studies show that this variant may disrupt protein function (PMID: 11309371). Given the available evidence, this variant is classified as Pathogenic.

Fulgent Genetics
Classification: Likely pathogenic for Aspartylglucosaminuria. Last evaluated: 2024-01-20. Review status: criteria provided, single submitter. Criteria: ACMG Guidelines, 2015. Collection method: clinical testing. Allele origin: germline.

Counsyl
Classification: Pathogenic for Aspartylglucosaminuria. Last evaluated: 2017-01-31. Review status: no assertion criteria provided. Collection method: clinical testing. Allele origin: unknown. Not counted in ClinVar's aggregate classification.

Juha Muilu Group; Institute for Molecular Medicine Finland (FIMM)
Classification: Likely pathogenic for Aspartylglycosaminuria. Review status: no assertion criteria provided. Collection method: not provided. Allele origin: unknown. Not counted in ClinVar's aggregate classification.
Comment: FinDis database variant: This variant was not found or characterized by our laboratory, data were collected from public sources: see reference
ClinVar note: Converted during submission from probable-pathogenic to Likely pathogenic.

Literature cited by the submitters: PubMed 7627186 (cited by Labcorp Genetics (formerly Invitae), Labcorp); PubMed 11309371 (cited by 3 submitters).